The following is an entry in ClinVar:

NM_000051.4(ATM):c.6163A>G (p.Ile2055Val)

Genes: C11orf65 (chromosome 11 open reading frame 65; minus strand), ATM (ATM serine/threonine kinase; plus strand). Cytogenetic location: 11q22.3.
Variant type: single nucleotide variant.
Coding change: c.6163A>G on transcript NM_000051.4 (MANE Select); coding-DNA position 6163, A replaced by G.
Protein change: p.Ile2055Val; replaces isoleucine 2055 with valine.
Molecular consequence: missense variant. On other transcripts: intron variant (2).
Genome position (GRCh38, 1-based): chr11:108,316,078, A>G. VCF-style: chr11-108316078-A-G. GRCh37 (hg19) VCF-style: chr11-108186805-A-G.
Other names: c.6163A>G, p.Ile2055Val (NM_001351834.2); c.641-7007T>C (NM_001330368.2); c.*39-7007T>C (NM_001351110.2); short protein forms I2055V.
Identifiers: ClinVar variation 481290 (VCV000481290.20), dbSNP rs758038580, ClinGen allele CA6265870.

ClinVar aggregate classification (germline): Conflicting classifications of pathogenicity. Review status: criteria provided, conflicting classifications (1 of 4 stars). 6 submissions from 6 submitters: Uncertain significance (5); Likely benign (1). Last evaluated 2025-01-23.

Conditions:
Hereditary cancer-predisposing syndrome. Also called: Neoplastic Syndromes, Hereditary; Hereditary Cancer Syndrome; Tumor predisposition; Hereditary neoplastic syndrome. Identifiers: Orphanet 140162, MedGen C0027672, MeSH D009386, MONDO:0015356.
Ataxia-telangiectasia syndrome (AT). Also called: LOUIS-BAR SYNDROME; Cerebello-oculocutaneous telangiectasia; Immunodeficiency with ataxia telangiectasia; Ataxia-telangiectasia, complementation group D; AT, COMPLEMENTATION GROUP C; Ataxia-telangiectasia, complementation group E. Identifiers: Orphanet 100, MedGen C0004135, MONDO:0008840, OMIM 208900.

Allele frequency attached by ClinVar (database versions not stated): gnomAD exomes 0.00001 and 0.00002; ExAC 0.00003; TOPMed 0.00001.
gnomAD v4.1: 12 of 1,614,166 alleles (0.00074%); highest among the groups gnomAD compares: South Asian, 0.012%; no homozygotes.

Submissions (6):

Quest Diagnostics Nichols Institute San Juan Capistrano
Classification: Uncertain significance. Last evaluated: 2025-01-23. Review status: criteria provided, single submitter. Criteria: Quest Diagnostics criteria. Collection method: clinical testing. Allele origin: unknown.

Labcorp Genetics (formerly Invitae), Labcorp
Classification: Uncertain significance for Ataxia-telangiectasia syndrome. Last evaluated: 2025-01-17. Review status: criteria provided, single submitter. Criteria: Invitae Variant Classification Sherloc (09022015). Collection method: clinical testing. Allele origin: germline.
Comment: This sequence change replaces isoleucine, which is neutral and non-polar, with valine, which is neutral and non-polar, at codon 2055 of the ATM protein (p.Ile2055Val). This variant is present in population databases (rs758038580, gnomAD 0.02%). This variant has not been reported in the literature in individuals affected with ATM-related conditions. ClinVar contains an entry for this variant (Variation ID: 481290). Invitae Evidence Modeling of protein sequence and biophysical properties (such as structural, functional, and spatial information, amino acid conservation, physicochemical variation, residue mobility, and thermodynamic stability) indicates that this missense variant is not expected to disrupt ATM protein function with a negative predictive value of 95%. In summary, the available evidence is currently insufficient to determine the role of this variant in disease. Therefore, it has been classified as a Variant of Uncertain Significance.

Ambry Genetics
Classification: Likely benign for Hereditary cancer-predisposing syndrome. Last evaluated: 2024-03-14. Review status: criteria provided, single submitter. Criteria: Ambry Variant Classification Scheme 2023. Collection method: clinical testing. Allele origin: germline.

GeneDx
Classification: Uncertain significance. Last evaluated: 2023-11-03. Review status: criteria provided, single submitter. Criteria: GeneDx Variant Classification Process June 2021. Collection method: clinical testing. Allele origin: germline. Affected: yes.
Comment: In silico analysis supports that this missense variant does not alter protein structure/function; Observed in an individual with breast cancer in published literature (PMID: 36200007); This variant is associated with the following publications: (PMID: 23532176, 36200007)

Women's Health and Genetics/Laboratory Corporation of America, LabCorp
Classification: Uncertain significance. Last evaluated: 2021-10-16. Review status: criteria provided, single submitter. Criteria: LabCorp Variant Classification Summary - May 2015. Collection method: clinical testing. Allele origin: germline.

Color Diagnostics, LLC DBA Color Health
Classification: Uncertain significance for Hereditary cancer-predisposing syndrome. Last evaluated: 2018-10-04. Review status: criteria provided, single submitter. Criteria: ACMG Guidelines, 2015. Collection method: clinical testing. Allele origin: germline.